The following is an entry in ClinVar:

ClinVar aggregate classification (germline): Uncertain significance. Review status: criteria provided, multiple submitters, no conflicts (2 of 4 stars). 3 submissions from 3 submitters: Uncertain significance (3). Last evaluated 2026-03-18.

Conditions:
Hereditary cancer-predisposing syndrome. Also called: Hereditary Cancer Syndrome; Hereditary neoplastic syndrome; Neoplastic Syndromes, Hereditary; Tumor predisposition. Identifiers: Orphanet 140162, MedGen C0027672, MeSH D009386, MONDO:0015356.
BAP1-related tumor predisposition syndrome (TPDS1). Also called: COMMON Syndrome; TUMOR PREDISPOSITION SYNDROME 1; Tumor susceptibility linked to germline BAP1 mutations; BAP1 tumor predisposition syndrome. Identifiers: Orphanet 289539, MedGen C3280492, MONDO:0013692, OMIM 614327.

Submissions (3):

Ambry Genetics
Classification: Uncertain significance for Hereditary cancer-predisposing syndrome. Last evaluated: 2026-03-18. Review status: criteria provided, single submitter. Criteria: Ambry Variant Classification Scheme 2023. Collection method: clinical testing. Allele origin: germline.
Comment: The p.V255A variant (also known as c.764T>C), located in coding exon 9 of the BAP1 gene, results from a T to C substitution at nucleotide position 764. The valine at codon 255 is replaced by alanine, an amino acid with similar properties. This amino acid position is conserved. In addition, this alteration is predicted to be tolerated by in silico analysis. Based on the available evidence, the clinical significance of this variant remains unclear.

Labcorp Genetics (formerly Invitae), Labcorp
Classification: Uncertain significance for BAP1-related tumor predisposition syndrome. Last evaluated: 2026-01-02. Review status: criteria provided, single submitter. Criteria: Invitae Variant Classification Sherloc (09022015). Collection method: clinical testing. Allele origin: germline.
Comment: This sequence change replaces valine, which is neutral and non-polar, with alanine, which is neutral and non-polar, at codon 255 of the BAP1 protein (p.Val255Ala). This variant is not present in population databases (gnomAD no frequency). This variant has not been reported in the literature in individuals affected with BAP1-related conditions. ClinVar contains an entry for this variant (Variation ID: 3764332). Invitae Evidence Modeling of protein sequence and biophysical properties (such as structural, functional, and spatial information, amino acid conservation, physicochemical variation, residue mobility, and thermodynamic stability) has been performed for this missense variant. However, the output from this modeling did not meet the statistical confidence thresholds required to predict the impact of this variant on BAP1 protein function. In summary, the available evidence is currently insufficient to determine the role of this variant in disease. Therefore, it has been classified as a Variant of Uncertain Significance.

GeneDx
Classification: Uncertain significance. Last evaluated: 2024-08-23. Review status: criteria provided, single submitter. Criteria: GeneDx Variant Classification Process June 2021. Collection method: clinical testing. Allele origin: germline. Affected: yes.
Comment: Not observed at significant frequency in large population cohorts (gnomAD); In silico analysis supports that this missense variant has a deleterious effect on protein structure/function; Has not been previously published as pathogenic or benign to our knowledge

NM_004656.4(BAP1):c.764T>C (p.Val255Ala)

Gene: BAP1 (BRCA1 associated deubiquitinase 1; minus strand). Cytogenetic location: 3p21.1.
Variant type: single nucleotide variant.
Coding change: c.764T>C on transcript NM_004656.4 (MANE Select); coding-DNA position 764, T replaced by C.
Protein change: p.Val255Ala; replaces valine 255 with alanine.
Molecular consequence: missense variant.
Genome position (GRCh38, 1-based): chr3:52,406,272, A>G on the plus strand (T>C on the coding strand, the complement: BAP1 is on the minus strand). VCF-style: chr3-52406272-A-G. GRCh37 (hg19) VCF-style: chr3-52440288-A-G.
Other names: c.710T>C, p.Val237Ala (NM_001410772.1); short protein forms V237A, V255A.
Identifiers: ClinVar variation 3764332 (VCV003764332.3).